The following is an entry in ClinVar:

ClinVar aggregate classification (germline): Pathogenic/Likely pathogenic. Review status: criteria provided, multiple submitters, no conflicts (2 of 4 stars). 4 submissions from 4 submitters: Pathogenic (1); Likely pathogenic (3). Last evaluated 2025-10-05.

Conditions:
Ehlers-Danlos syndrome, classic type, 1 (EDSCL1). Also called: Ehlers-Danlos Syndrome, Classic Type, COL5A1-Related; EDS I; Ehlers-Danlos syndrome, type 1; EHLERS-DANLOS SYNDROME, GRAVIS TYPE; EHLERS-DANLOS SYNDROME, SEVERE CLASSIC TYPE. Identifiers: MedGen C0268335, MONDO:0019567, OMIM 130000.
Ehlers-Danlos syndrome, classic type, 2 (EDSCL2). Also called: Ehlers-Danlos Syndrome, Classic Type, COL5A2-Related; Ehlers-Danlos syndrome, type 2; Ehlers-Danlos syndrome type 2 (formerly). Identifiers: Orphanet 287, Orphanet 90318, MedGen C0268336, MONDO:0019568, OMIM 130010.
Neuropathic spinal arthropathy. Identifiers: MedGen C5702564, HP:0008443.
Joint hypermobility. Also called: Joint hyperflexibility. Identifiers: MedGen C1862377, HP:0001382.
Telecanthus. Identifiers: Orphanet 98575, MedGen C0423113, MONDO:0008537, OMIM 187350, HP:0000506.
Hyperextensible skin. Identifiers: MedGen C0241074, HP:0000974.

Allele frequency attached by ClinVar (database versions not stated): gnomAD exomes below 0.00001.
gnomAD v4.1: 1 of 1,610,896 alleles (0.000062%); highest among the groups gnomAD compares: South Asian, 0.0011%; no homozygotes.

Submissions (4):

Clinical Biomedical Laboratory, Shriners Hospital For Children - Canada
Classification: Pathogenic for Ehlers-Danlos syndrome, classic type, 2. Last evaluated: 2025-10-05. Review status: criteria provided, single submitter. Criteria: ACMG Guidelines, 2015. Collection method: clinical testing. Allele origin: germline. Affected: yes.
Comment: This variant is predicted to substitute a glycine residue by a cysteine residue in the alpha 2 chain of collagen type V. This variant is absent from the Genome Aggregation Database v2.1.1.

Fulgent Genetics
Classification: Likely pathogenic for Ehlers-Danlos syndrome, classic type, 2. Last evaluated: 2022-05-28. Review status: criteria provided, single submitter. Criteria: ACMG Guidelines, 2015. Collection method: clinical testing. Allele origin: unknown.

Labcorp Genetics (formerly Invitae), Labcorp
Classification: Likely pathogenic for Ehlers-Danlos syndrome, classic type, 1. Last evaluated: 2019-07-03. Review status: criteria provided, single submitter. Criteria: Invitae Variant Classification Sherloc (09022015). Collection method: clinical testing. Allele origin: germline.
Comment: In summary, the currently available evidence indicates that the variant is pathogenic, but additional data are needed to prove that conclusively. Therefore, this variant has been classified as Likely Pathogenic. Algorithms developed to predict the effect of missense changes on protein structure and function (SIFT, PolyPhen-2, Align-GVGD) all suggest that this variant is likely to be disruptive, but these predictions have not been confirmed by published functional studies and their clinical significance is uncertain. ClinVar contains an entry for this variant (Variation ID: 523366). This variant is not present in population databases (ExAC no frequency). This sequence change replaces glycine with cysteine at codon 252 of the COL5A2 protein (p.Gly252Cys). The glycine residue is highly conserved and there is a large physicochemical difference between glycine and cysteine.

Centre for Mendelian Genomics, University Medical Centre Ljubljana
Classification: Likely pathogenic for Hyperextensible skin; Joint hypermobility; Neuropathic spinal arthropathy; Telecanthus. Last evaluated: 2017-01-01. Review status: criteria provided, single submitter. Criteria: ACMG Guidelines, 2015. Collection method: clinical testing. Allele origin: unknown. Affected: yes.

NM_000393.5(COL5A2):c.754G>T (p.Gly252Cys)

Gene: COL5A2 (collagen type V alpha 2 chain; minus strand). Cytogenetic location: 2q32.2.
Variant type: single nucleotide variant.
Coding change: c.754G>T on transcript NM_000393.5 (MANE Select); coding-DNA position 754, G replaced by T.
Protein change: p.Gly252Cys; replaces glycine 252 with cysteine.
Molecular consequence: missense variant.
Genome position (GRCh38, 1-based): chr2:189,085,204, C>A on the plus strand (G>T on the coding strand, the complement: COL5A2 is on the minus strand). VCF-style: chr2-189085204-C-A. GRCh37 (hg19) VCF-style: chr2-189949930-C-A.
Other names: short protein forms G252C.
Identifiers: ClinVar variation 523366 (VCV000523366.15), dbSNP rs1553517323, ClinGen allele CA349858443.